The following is an entry in ClinVar:

NM_020975.6(RET):c.3003C>G (p.Ile1001Met)

Gene: RET (ret proto-oncogene; plus strand). Cytogenetic location: 10q11.21.
Variant type: single nucleotide variant.
Coding change: c.3003C>G on transcript NM_020975.6 (MANE Select); coding-DNA position 3003, C replaced by G.
Protein change: p.Ile1001Met; replaces isoleucine 1001 with methionine.
Molecular consequence: missense variant.
Genome position (GRCh38, 1-based): chr10:43,124,946, C>G. VCF-style: chr10-43124946-C-G. GRCh37 (hg19) VCF-style: chr10-43620394-C-G.
Other names: c.2868C>G, p.Ile956Met (NM_001406763.1, NM_001406765.1); c.2874C>G, p.Ile958Met (NM_001406764.1, NM_001406761.1, NM_001406762.1); c.2715C>G, p.Ile905Met (NM_001406766.1, NM_001406767.1, NM_001406770.1); c.2739C>G, p.Ile913Met (NM_001406768.1); c.2607C>G, p.Ile869Met (NM_001406769.1, NM_001406772.1); c.2565C>G, p.Ile855Met (NM_001406771.1, NM_001406773.1); c.2106C>G, p.Ile702Met (NM_001406782.1, NM_001406779.1, NM_001406780.1 and 1 more transcripts); c.1977C>G, p.Ile659Met (NM_001406783.1, NM_001406786.1); and 10 more; short protein forms I657M, I826M, I913M, I956M, I518M, I566M, I662M, I759M.
Identifiers: ClinVar variation 4841369 (VCV004841369.1).

ClinVar aggregate classification (germline): Uncertain significance (1 of 4 stars; one submission).

Conditions:
Hereditary cancer-predisposing syndrome. Also called: Neoplastic Syndromes, Hereditary; Tumor predisposition; Hereditary Cancer Syndrome; Hereditary neoplastic syndrome. Identifiers: Orphanet 140162, MedGen C0027672, MeSH D009386, MONDO:0015356.

Submission:

Ambry Genetics
Classification: Uncertain significance for Hereditary cancer-predisposing syndrome. Last evaluated: 2026-01-20. Review status: criteria provided, single submitter. Criteria: Ambry Variant Classification Scheme 2023. Collection method: clinical testing. Allele origin: germline.
Comment: The p.I1001M variant (also known as c.3003C>G), located in coding exon 18 of the RET gene, results from a C to G substitution at nucleotide position 3003. The isoleucine at codon 1001 is replaced by methionine, an amino acid with highly similar properties. This amino acid position is highly conserved in available vertebrate species. In addition, this alteration is predicted to be deleterious by in silico analysis. Based on the available evidence, the clinical significance of this variant remains unclear.